The following is an entry in ClinVar:

ClinVar aggregate classification (germline): Likely benign. Review status: criteria provided, multiple submitters, no conflicts (2 of 4 stars). 4 submissions from 4 submitters: Likely benign (3). 1 of the submissions does not count toward it. Last evaluated 2026-02-02.

Conditions:
HTRA2-related disorder. Also called: HTRA2-related condition.

Allele frequency attached by ClinVar (database versions not stated): gnomAD exomes 0.00024; ExAC 0.00039; 1000 Genomes Project 0.00060; 1000 Genomes Project 30x 0.00062; gnomAD 0.00098 and 0.00106; TOPMed 0.00107; ESP Exome Variant Server 0.00162.

Submissions (4):

Labcorp Genetics (formerly Invitae), Labcorp
Classification: Likely benign. Last evaluated: 2026-02-02. Review status: criteria provided, single submitter. Criteria: Invitae Variant Classification Sherloc (09022015). Collection method: clinical testing. Allele origin: germline.

CeGaT Center for Human Genetics Tuebingen
Classification: Likely benign. Last evaluated: 2024-02-01. Review status: criteria provided, single submitter. Criteria: CeGaT Center For Human Genetics Tuebingen Variant Classification Criteria Version 2. Collection method: clinical testing. Allele origin: germline. Affected: yes. Observed: 1 variant allele.
Comment: HTRA2: BP4

GeneDx
Classification: Likely benign. Last evaluated: 2019-10-21. Review status: criteria provided, single submitter. Criteria: GeneDx Variant Classification Process June 2021. Collection method: clinical testing. Allele origin: germline. Affected: yes.

PreventionGenetics, part of Exact Sciences
Classification: Likely benign for HTRA2-related condition. Last evaluated: 2022-05-17. Review status: no assertion criteria provided. Collection method: clinical testing. Allele origin: germline. Not counted in ClinVar's aggregate classification.
Comment: This variant is classified as likely benign based on ACMG/AMP sequence variant interpretation guidelines (Richards et al. 2015 PMID: 25741868, with internal and published modifications).

NM_013247.5(HTRA2):c.202C>T (p.Pro68Ser)

Gene: HTRA2 (HtrA serine peptidase 2; plus strand). Cytogenetic location: 2p13.1.
Variant type: single nucleotide variant.
Coding change: c.202C>T on transcript NM_013247.5 (MANE Select); coding-DNA position 202, C replaced by T.
Protein change: p.Pro68Ser; replaces proline 68 with serine.
Molecular consequence: missense variant. On other transcripts: non-coding transcript variant (1).
Genome position (GRCh38, 1-based): chr2:74,530,208, C>T. VCF-style: chr2-74530208-C-T. GRCh37 (hg19) VCF-style: chr2-74757335-C-T.
Other names: c.202C>T, p.Pro68Ser (NM_001321727.1, NM_001321728.1, NM_145074.2); short protein forms P68S.
Identifiers: ClinVar variation 726830 (VCV000726830.34), dbSNP rs146380692, ClinGen allele CA1728298.